The following is an entry in ClinVar:

ClinVar aggregate classification (germline): Uncertain significance (1 of 4 stars; one submission).

Conditions:
MAFA-related disorder. Also called: MAFA-related condition.

Submission:

PreventionGenetics, part of Exact Sciences
Classification: Uncertain significance for MAFA-related condition. Last evaluated: 2024-12-20. Review status: criteria provided, single submitter. Criteria: ACMG Guidelines, 2015. Collection method: clinical testing. Allele origin: germline.
Comment: The MAFA c.621_623dupCCA variant is predicted to result in an in-frame duplication (p.His208dup). To our knowledge, this variant has not been reported in the literature. This variant is reported in 0.048% of alleles in individuals of African descent in gnomAD. Although we suspect that this variant may be benign, at this time, the clinical significance of this variant is uncertain due to the absence of conclusive functional and genetic evidence.

NM_201589.4(MAFA):c.594CCA[11] (p.His208_Gly209insHis)

Gene: MAFA (MAF bZIP transcription factor A; minus strand). Cytogenetic location: 8q24.3.
Variant type: Microsatellite.
Coding change: c.594CCA[11] on transcript NM_201589.4 (MANE Select); 11 copies in a row of the 3-base unit CCA starting at c.594; the reference has ten copies in a row; one copy, 3 bases duplicated.
Protein change: p.His208_Gly209insHis.
Molecular consequence: inframe insertion.
Genome position (GRCh38, 1-based): chr8:143,429,784-143,429,786, TGG duplicated on the plus strand (CCA on the coding strand, the reverse complement: MAFA is on the minus strand); duplicating any 3 consecutive bases within chr8:143,429,784-143,429,813 gives the same sequence; the position shown is the placement nearest the transcript's 3' end. VCF-style (leftmost placement, unchanged base first): chr8-143429783-A-ATGG. GRCh37 (hg19) VCF-style: chr8-144511953-A-ATGG.
Identifiers: ClinVar variation 4981433 (VCV004981433.1).